The following is an entry in ClinVar:

NM_000075.4(CDK4):c.768A>G (p.Pro256=)

Genes: CDK4 (cyclin dependent kinase 4; minus strand), TSPAN31 (tetraspanin 31; plus strand). Cytogenetic location: 12q14.1.
Variant type: single nucleotide variant.
Coding change: c.768A>G on transcript NM_000075.4 (MANE Select); coding-DNA position 768, A replaced by G.
Protein change: p.Pro256=; no amino-acid change (proline 256 retained).
Molecular consequence: synonymous variant. On other transcripts: 3 prime UTR variant (3).
Genome position (GRCh38, 1-based): chr12:57,749,233, T>C on the plus strand (A>G on the coding strand, the complement: CDK4 is on the minus strand). VCF-style: chr12-57749233-T-C. GRCh37 (hg19) VCF-style: chr12-58143016-T-C.
Other names: c.*1943T>C (NM_001330168.2, NM_001330169.2, NM_005981.5).
Identifiers: ClinVar variation 3378477 (VCV003378477.1).

ClinVar aggregate classification (germline): Benign (1 of 4 stars; one submission).

Conditions:
Melanoma, cutaneous malignant, susceptibility to, 3. Also called: Cutaneous malignant melanoma 3. Identifiers: Orphanet 618, MedGen C1836892, MONDO:0012183, OMIM 609048.

gnomAD v4.1: 1 of 1,614,056 alleles (0.000062%); highest among the groups gnomAD compares: Non-Finnish European, 0.000085%; no homozygotes.

Submission:

Myriad Genetics, Inc.
Classification: Benign for Melanoma, cutaneous malignant, susceptibility to, 3. Last evaluated: 2024-09-26. Review status: criteria provided, single submitter. Criteria: Myriad Autosomal Dominant, Autosomal Recessive and X-Linked Classification Criteria (2023). Collection method: clinical testing. Allele origin: unknown.
Comment: This variant is considered benign. This variant is a silent/synonymous amino acid change and it is not expected to impact splicing.